The following is an entry in ClinVar:

NM_000548.5(TSC2):c.1362-5del

Gene: TSC2 (TSC complex subunit 2; plus strand). Cytogenetic location: 16p13.3.
Variant type: Deletion.
Coding change: c.1362-5del on transcript NM_000548.5 (MANE Select); 5 bases into the intron before coding-DNA position 1362, one base deleted (C; older notation c.1362-5delC).
Molecular consequence: intron variant.
Genome position (GRCh38, 1-based): chr16:2,062,967, C deleted; the last of 3 consecutive C bases (chr16:2,062,965-2,062,967); deleting any one gives the same sequence. VCF-style (leftmost placement, unchanged base first): chr16-2062964-TC-T. GRCh37 (hg19) VCF-style: chr16-2112965-TC-T.
Other names: c.1362-5delC (NM_000548.3); c.1362-5del (NM_001114382.3, NM_021055.3, NM_001370405.1 and 3 more transcripts); c.1251-5del (NM_001318827.2); c.762-5del (NM_001318831.2); c.1215-5del (NM_001318829.2); c.1395-5del (NM_001318832.2).
Identifiers: ClinVar variation 1401576 (VCV001401576.8), dbSNP rs2086819893, ClinGen allele CA2201989099.
Genomic context (GRCh38, chr16:2,062,964, plus strand): 5'-GCAGACGGGCTGGTGTGGGGCTGTGGCCGGGCACTCCCCACCCGCCCCAGCAGGCTGCCG[TC>T]CCGCAGGAGCGAGTCCCGAGGCGCCGTGCGCATCAAGGTGCTGGACGTGCTGTCCTTTGT-3'

ClinVar aggregate classification (germline): Conflicting classifications of pathogenicity. Review status: criteria provided, conflicting classifications (1 of 4 stars). 3 submissions from 3 submitters: Uncertain significance (2); Likely benign (1). Last evaluated 2026-02-04.

Conditions:
Hereditary cancer-predisposing syndrome. Also called: Hereditary neoplastic syndrome; Tumor predisposition; Neoplastic Syndromes, Hereditary; Hereditary Cancer Syndrome. Identifiers: Orphanet 140162, MedGen C0027672, MeSH D009386, MONDO:0015356.
Tuberous sclerosis syndrome (TSC). Also called: Tuberous sclerosis; Tuberous Sclerosis Complex. Identifiers: Orphanet 805, MedGen C0041341, MONDO:0001734.
Tuberous sclerosis 2 (TSC2). Identifiers: Orphanet 805, MedGen C1860707, MONDO:0013199, OMIM 613254.

Submissions (3):

Ambry Genetics
Classification: Uncertain significance for Hereditary cancer-predisposing syndrome. Last evaluated: 2026-02-04. Review status: criteria provided, single submitter. Criteria: Ambry Variant Classification Scheme 2023. Collection method: clinical testing. Allele origin: germline.
Comment: The c.1362-5delC intronic variant, located in intron 12 of the TSC2 gene, results from a deletion of one nucleotide within intron 12 of the TSC2 gene. This nucleotide position is not well conserved in available vertebrate species. In silico splice site analysis for this alteration is inconclusive. Based on the available evidence, the clinical significance of this variant remains unclear.

Labcorp Genetics (formerly Invitae), Labcorp
Classification: Likely benign for Tuberous sclerosis 2. Last evaluated: 2025-11-10. Review status: criteria provided, single submitter. Criteria: Invitae Variant Classification Sherloc (09022015). Collection method: clinical testing. Allele origin: germline.

All of Us Research Program, National Institutes of Health
Classification: Uncertain significance for Tuberous sclerosis syndrome. Last evaluated: 2023-10-23. Review status: criteria provided, single submitter. Criteria: ACMG Guidelines, 2015. Collection method: clinical testing. Allele origin: germline. Inheritance: Autosomal dominant inheritance. Observed: 1 variant allele, 1 heterozygote.
Comment: This variant causes a deletion of one nucleotide at the -5 position in intron 13 of the TSC2 gene. Splice site prediction tools are inconclusive regarding the impact of this variant on RNA splicing. To our knowledge, functional studies have not been reported for this variant. This variant has not been reported in individuals affected with TSC2-related disorders in the literature. This variant has not been identified in the general population by the Genome Aggregation Database (gnomAD). The available evidence is insufficient to determine the role of this variant in disease conclusively. Therefore, this variant is classified as a Variant of Uncertain Significance.

This study involves interpretation of variants in research participants for the purpose of population health screening. Participant phenotype was not available at the time of variant classification. Additional details can be found in publication PMID: 35346344, PMCID: PMC8962531